The following is an entry in ClinVar:

NM_003907.3(EIF2B5):c.1289T>C (p.Val430Ala)

Gene: EIF2B5 (eukaryotic translation initiation factor 2B subunit epsilon; plus strand). Cytogenetic location: 3q27.1.
Variant type: single nucleotide variant.
Coding change: c.1289T>C on transcript NM_003907.3 (MANE Select); coding-DNA position 1289, T replaced by C.
Protein change: p.Val430Ala; replaces valine 430 with alanine.
Molecular consequence: missense variant.
Genome position (GRCh38, 1-based): chr3:184,142,057, T>C. VCF-style: chr3-184142057-T-C. GRCh37 (hg19) VCF-style: chr3-183859845-T-C.
Other names: c.1289T>C (NM_003907.2); short protein forms V430A.
Identifiers: ClinVar variation 1457929 (VCV001457929.10), dbSNP rs113994079, ClinGen allele CA2726634.

ClinVar aggregate classification (germline): Pathogenic/Likely pathogenic. Review status: criteria provided, multiple submitters, no conflicts (2 of 4 stars). 3 submissions from 3 submitters: Pathogenic (1); Likely pathogenic (2). Last evaluated 2025-04-18.

Conditions:
Vanishing white matter disease. Also called: CACH syndrome; Childhood ataxia with diffuse central nervous system hypomyelination; Leukoencephalopathy with vanishing white matter; CACH/VWM syndrome; Cree leukoencehalopathy. Identifiers: Orphanet 135, Orphanet 99853, MedGen C1858991, MONDO:0800448.

Allele frequency attached by ClinVar (database versions not stated): ExAC 0.00001; gnomAD 0.00001; ESP Exome Variant Server 0.00008.
gnomAD v4.1: 5 of 1,614,042 alleles (0.00031%); highest among the groups gnomAD compares: Admixed American, 0.0017%; no homozygotes.

Submissions (3):

Women's Health and Genetics/Laboratory Corporation of America, LabCorp
Classification: Likely pathogenic for Vanishing white matter disease. Last evaluated: 2025-04-18. Review status: criteria provided, single submitter. Criteria: LabCorp Variant Classification Summary - May 2015. Collection method: clinical testing. Allele origin: germline.
Comment: Variant summary: EIF2B5 c.1289T>C (p.Val430Ala) results in a non-conservative amino acid change in the encoded protein sequence. Four of four in-silico tools predict a damaging effect of the variant on protein function. The variant allele was found at a frequency of 8e-06 in 251482 control chromosomes. c.1289T>C has been observed in the compound heterozygous state in individuals affected with Leukoencephalopathy With Vanishing White Matter (Slynko_2021). These data indicate that the variant may be associated with disease. At least one publication reports experimental evidence that this variant results in altered gene expression in yeast (Richardson_2004). The following publications have been ascertained in the context of this evaluation (PMID: 14993275, 33432707). ClinVar contains an entry for this variant (Variation ID: 1457929). Based on the evidence outlined above, the variant was classified as likely pathogenic.

Natera, Inc.
Classification: Likely pathogenic for Leukoencephalopathy with vanishing white matter. Last evaluated: 2024-07-19. Review status: criteria provided, single submitter. Criteria: Natera Variant Classification Schema (03/2026). Collection method: clinical testing. Allele origin: germline.
Comment: The c.1289T>C variant in EIF2B5 is a missense variant predicted to cause substitution of valine to alanine at amino acid 430. This variant is rare in the general population with a frequency below the threshold expected for the associated phenotype(s). This variant has been observed in one or more individuals affected with the associated recessive disease, as either homozygous or compound heterozygous with a second variant (PMID: 11704758, 33432707). Computational prediction algorithms indicate this variant is likely to affect gene or protein function. Given the available evidence, this variant is classified as Likely Pathogenic.

Labcorp Genetics (formerly Invitae), Labcorp
Classification: Pathogenic. Last evaluated: 2023-08-19. Review status: criteria provided, single submitter. Criteria: Invitae Variant Classification Sherloc (09022015). Collection method: clinical testing. Allele origin: germline.
Comment: This sequence change replaces valine, which is neutral and non-polar, with alanine, which is neutral and non-polar, at codon 430 of the EIF2B5 protein (p.Val430Ala). This variant is present in population databases (rs113994079, gnomAD 0.003%). This missense change has been observed in individual(s) with leukoencephalopathy with vanishing white matter (PMID: 11704758, 14566705). In at least one individual the data is consistent with being in trans (on the opposite chromosome) from a pathogenic variant. ClinVar contains an entry for this variant (Variation ID: 1457929). Advanced modeling of protein sequence and biophysical properties (such as structural, functional, and spatial information, amino acid conservation, physicochemical variation, residue mobility, and thermodynamic stability) performed at Invitae indicates that this missense variant is expected to disrupt EIF2B5 protein function. For these reasons, this variant has been classified as Pathogenic.

Literature cited by the submitters: PubMed 33432707 (cited by Women's Health and Genetics/Laboratory Corporation of America, LabCorp and Natera, Inc.); PubMed 14993275 (cited by Women's Health and Genetics/Laboratory Corporation of America, LabCorp); PubMed 11704758 (cited by Natera, Inc. and Labcorp Genetics (formerly Invitae), Labcorp); PubMed 14566705 (cited by Labcorp Genetics (formerly Invitae), Labcorp).